The following is an entry in ClinVar:

NM_001348768.2(HECW2):c.1568C>T (p.Ala523Val)

Gene: HECW2 (HECT, C2 and WW domain containing E3 ubiquitin protein ligase 2; minus strand). Cytogenetic location: 2q32.3.
Variant type: single nucleotide variant.
Coding change: c.1568C>T on transcript NM_001348768.2 (MANE Select); coding-DNA position 1568, C replaced by T.
Protein change: p.Ala523Val; replaces alanine 523 with valine.
Molecular consequence: missense variant.
Genome position (GRCh38, 1-based): chr2:196,319,322, G>A on the plus strand (C>T on the coding strand, the complement: HECW2 is on the minus strand). VCF-style: chr2-196319322-G-A. GRCh37 (hg19) VCF-style: chr2-197184046-G-A.
Other names: c.500C>T, p.Ala167Val (NM_001304840.3); c.1568C>T, p.Ala523Val (NM_020760.4); c.1568C>T (NM_020760.1); short protein forms A167V, A523V.
Identifiers: ClinVar variation 2581299 (VCV002581299.2), dbSNP rs958764823, ClinGen allele CA62784311.

ClinVar aggregate classification (germline): Uncertain significance. Review status: criteria provided, multiple submitters, no conflicts (2 of 4 stars). 2 submissions from 2 submitters: Uncertain significance (2). Last evaluated 2025-08-29.

Conditions:
Inborn genetic diseases. Identifiers: MedGen C0950123, MeSH D030342.

Allele frequency attached by ClinVar (database versions not stated): gnomAD 0.00001; TOPMed 0.00002.
gnomAD v4.1: 26 of 1,613,878 alleles (0.0016%); highest among the groups gnomAD compares: Non-Finnish European, 0.0022%; no homozygotes.

Submissions (2):

Ambry Genetics
Classification: Uncertain significance for Inborn genetic diseases. Last evaluated: 2025-08-29. Review status: criteria provided, single submitter. Criteria: Ambry Variant Classification Scheme 2023. Collection method: clinical testing. Allele origin: germline.

Women's Health and Genetics/Laboratory Corporation of America, LabCorp
Classification: Uncertain significance. Last evaluated: 2023-08-22. Review status: criteria provided, single submitter. Criteria: LabCorp Variant Classification Summary - May 2015. Collection method: clinical testing. Allele origin: germline.
Comment: Variant summary: HECW2 c.1568C>T (p.Ala523Val) results in a non-conservative amino acid change in the encoded protein sequence. Four of five in-silico tools predict a benign effect of the variant on protein function. The variant allele was found at a frequency of 1.2e-05 in 251124 control chromosomes (gnomAD). The available data on variant occurrences in the general population are insufficient to allow any conclusion about variant significance. To our knowledge, no occurrence of c.1568C>T in individuals affected with Neurodevelopmental Disorder With Hypotonia, Seizures, And Absent Language and no experimental evidence demonstrating its impact on protein function have been reported. No submitters have cited clinical-significance assessments for this variant to ClinVar after 2014. Based on the evidence outlined above, the variant was classified as uncertain significance.